The following is an entry in ClinVar:

NM_000218.3(KCNQ1):c.1207del (p.His403fs)

Gene: KCNQ1 (potassium voltage-gated channel subfamily Q member 1; plus strand). Cytogenetic location: 11p15.5.
Variant type: Deletion.
Coding change: c.1207del on transcript NM_000218.3 (MANE Select); coding-DNA position 1207, one base deleted (C; older notation c.1207delC).
Protein change: p.His403fs; shifts the reading frame from histidine 403.
Molecular consequence: frameshift variant.
Genome position (GRCh38, 1-based): chr11:2,587,648, C deleted; the last of 2 consecutive C bases (chr11:2,587,647-2,587,648); deleting either gives the same sequence. VCF-style (leftmost placement, unchanged base first): chr11-2587646-GC-G. GRCh37 (hg19) VCF-style: chr11-2608876-GC-G.
Other names: c.1207delC, p.His403Thrfs (NM_000218.2); c.1111delC, p.His371Thrfs (NM_001406836.1); c.937delC, p.His313Thrfs (NM_001406837.1); c.667delC, p.His223Thrfs (NM_001406838.1); c.826delC, p.His276Thrfs (NM_181798.2); short protein forms H403fs, H276fs.
Identifiers: ClinVar variation 966649 (VCV000966649.10), dbSNP rs1848612978, ClinGen allele CA1139661777.

ClinVar aggregate classification (germline): Pathogenic (1 of 4 stars; one submission).

Conditions:
Long QT syndrome (LQTS). Identifiers: MedGen C0023976, MeSH D008133, MONDO:0002442. Disease mechanism: loss of function. Inheritance: Various modes of inheritance.

Submission:

Labcorp Genetics (formerly Invitae), Labcorp
Classification: Pathogenic for Long QT syndrome. Last evaluated: 2022-02-05. Review status: criteria provided, single submitter. Criteria: Invitae Variant Classification Sherloc (09022015). Collection method: clinical testing. Allele origin: germline.
Comment: For these reasons, this variant has been classified as Pathogenic. ClinVar contains an entry for this variant (Variation ID: 966649). This sequence change creates a premature translational stop signal (p.His403Thrfs*16) in the KCNQ1 gene. It is expected to result in an absent or disrupted protein product. Loss-of-function variants in KCNQ1 are known to be pathogenic (PMID: 9323054, 19862833). This variant is not present in population databases (gnomAD no frequency). This variant has not been reported in the literature in individuals affected with KCNQ1-related conditions.

Literature cited by the submitters: PubMed 9323054; PubMed 19862833.